The following is an entry in ClinVar:

ClinVar aggregate classification (germline): Conflicting classifications of pathogenicity. Review status: criteria provided, conflicting classifications (1 of 4 stars). 4 submissions from 4 submitters: Uncertain significance (2); Likely benign (2). Last evaluated 2025-08-12.

Conditions:
Cardiovascular phenotype. Identifiers: MedGen CN230736.
Brugada syndrome 5 (BRGDA5). Identifiers: Orphanet 130, Orphanet 871, MedGen C2748541, MONDO:0013015, OMIM 612838.

Allele frequency attached by ClinVar (database versions not stated): gnomAD 0.00004 and 0.00005; TOPMed 0.00005; 1000 Genomes Project 30x 0.00016; 1000 Genomes Project 0.00020; ESP Exome Variant Server 0.00023.
gnomAD v4.1: 198 of 1,614,164 alleles (0.012%); highest among the groups gnomAD compares: Non-Finnish European, 0.015%; no homozygotes.

Submissions (4):

Labcorp Genetics (formerly Invitae), Labcorp
Classification: Uncertain significance for Brugada syndrome 5. Last evaluated: 2025-08-12. Review status: criteria provided, single submitter. Criteria: Invitae Variant Classification Sherloc (09022015). Collection method: clinical testing. Allele origin: germline.
Comment: This sequence change replaces isoleucine, which is neutral and non-polar, with valine, which is neutral and non-polar, at codon 41 of the SCN1B protein (p.Ile41Val). This variant is present in population databases (rs72552028, gnomAD 0.01%). This variant has not been reported in the literature in individuals affected with SCN1B-related conditions. ClinVar contains an entry for this variant (Variation ID: 190856). An algorithm developed to predict the effect of missense changes on protein structure and function (PolyPhen-2) suggests that this variant is likely to be disruptive. In summary, the available evidence is currently insufficient to determine the role of this variant in disease. Therefore, it has been classified as a Variant of Uncertain Significance.

Ambry Genetics
Classification: Uncertain significance for Cardiovascular phenotype. Last evaluated: 2025-05-04. Review status: criteria provided, single submitter. Criteria: Ambry Variant Classification Scheme 2023. Collection method: clinical testing. Allele origin: germline.

Women's Health and Genetics/Laboratory Corporation of America, LabCorp
Classification: Likely benign. Last evaluated: 2023-12-12. Review status: criteria provided, single submitter. Criteria: LabCorp Variant Classification Summary - May 2015. Collection method: clinical testing. Allele origin: germline.
Comment: Variant summary: SCN1B c.121A>G (p.Ile41Val) results in a conservative amino acid change in the encoded protein sequence. Three of five in-silico tools predict a benign effect of the variant on protein function. The variant allele was found at a frequency of 7.2e-05 in 251412 control chromosomes, predominantly at a frequency of 0.00012 within the Non-Finnish European subpopulation in the gnomAD database. The observed variant frequency within Non-Finnish European control individuals in the gnomAD database is approximately 12 fold of the estimated maximal expected allele frequency for a pathogenic variant in SCN1B causing Arrhythmia phenotype (1e-05), strongly suggesting that the variant is a benign polymorphism found primarily in populations of Non-Finnish European origin. To our knowledge, no occurrence of c.121A>G in individuals affected with Arrhythmia and no experimental evidence demonstrating its impact on protein function have been reported. Three submitters have cited clinical-significance assessments for this variant to ClinVar after 2014 and classified this variant as uncertain significance (n=1) and likely benign (n=2). Based on the evidence outlined above, the variant was classified as likely benign.

GeneDx
Classification: Likely benign. Last evaluated: 2018-10-09. Review status: criteria provided, single submitter. Criteria: GeneDx Variant Classification Process June 2021. Collection method: clinical testing. Allele origin: germline. Affected: yes.

NM_001037.5(SCN1B):c.121A>G (p.Ile41Val)

Gene: SCN1B (sodium voltage-gated channel beta subunit 1; plus strand). Cytogenetic location: 19q13.11.
Variant type: single nucleotide variant.
Coding change: c.121A>G on transcript NM_001037.5 (MANE Select); coding-DNA position 121, A replaced by G.
Protein change: p.Ile41Val; replaces isoleucine 41 with valine.
Molecular consequence: missense variant.
Genome position (GRCh38, 1-based): chr19:35,032,608, A>G. VCF-style: chr19-35032608-A-G. GRCh37 (hg19) VCF-style: chr19-35523512-A-G.
Other names: p.I41V:ATC>GTC; c.22A>G, p.Ile8Val (NM_001321605.2); c.121A>G, p.Ile41Val (NM_199037.5); short protein forms I41V, I8V.
Identifiers: ClinVar variation 190856 (VCV000190856.56), dbSNP rs72552028, ClinGen allele CA302147.